The following is an entry in ClinVar:

ClinVar aggregate classification (germline): Uncertain significance. Review status: criteria provided, multiple submitters, no conflicts (2 of 4 stars). 3 submissions from 3 submitters: Uncertain significance (3). Last evaluated 2026-03-19.

Conditions:
Bardet-Biedl syndrome (BBS). Identifiers: Orphanet 110, MedGen C0752166, MONDO:0015229.
Bardet-Biedl syndrome 9 (BBS9). Identifiers: Orphanet 110, MedGen C1859567, MONDO:0014437, OMIM 615986.
BBS9-related disorder. Also called: BBS9-related condition.

Allele frequency attached by ClinVar (database versions not stated): ExAC 0.00001; gnomAD 0.00001; gnomAD exomes 0.00001; TOPMed 0.00004.
gnomAD v4.1: 5 of 1,609,360 alleles (0.00031%); highest among the groups gnomAD compares: Admixed American, 0.005%; no homozygotes.

Submissions (3):

PreventionGenetics, part of Exact Sciences
Classification: Uncertain significance for BBS9-related condition. Last evaluated: 2026-03-19. Review status: criteria provided, single submitter. Criteria: ACMG Guidelines, 2015. Collection method: clinical testing. Allele origin: germline.
Comment: The BBS9 c.894A>C variant is predicted to result in the amino acid substitution p.Glu298Asp. To our knowledge, this variant has not been reported in the literature. This variant is reported in 0.0029% of alleles in individuals of Latino descent in gnomAD. At this time, the clinical significance of this variant is uncertain due to the absence of conclusive functional and genetic evidence.

Fulgent Genetics
Classification: Uncertain significance for Bardet-Biedl syndrome 9. Last evaluated: 2022-04-18. Review status: criteria provided, single submitter. Criteria: ACMG Guidelines, 2015. Collection method: clinical testing. Allele origin: unknown.

Labcorp Genetics (formerly Invitae), Labcorp
Classification: Uncertain significance for Bardet-Biedl syndrome. Last evaluated: 2022-03-10. Review status: criteria provided, single submitter. Criteria: Invitae Variant Classification Sherloc (09022015). Collection method: clinical testing. Allele origin: germline.
Comment: This sequence change replaces glutamic acid, which is acidic and polar, with aspartic acid, which is acidic and polar, at codon 298 of the BBS9 protein (p.Glu298Asp). This variant is present in population databases (rs757469936, gnomAD 0.003%). This variant has not been reported in the literature in individuals affected with BBS9-related conditions. ClinVar contains an entry for this variant (Variation ID: 1060247). Algorithms developed to predict the effect of missense changes on protein structure and function are either unavailable or do not agree on the potential impact of this missense change (SIFT: "Deleterious"; PolyPhen-2: "Benign"; Align-GVGD: "Class C35"). In summary, the available evidence is currently insufficient to determine the role of this variant in disease. Therefore, it has been classified as a Variant of Uncertain Significance.

NM_198428.3(BBS9):c.894A>C (p.Glu298Asp)

Gene: BBS9 (Bardet-Biedl syndrome 9; plus strand). Cytogenetic location: 7p14.3.
Variant type: single nucleotide variant.
Coding change: c.894A>C on transcript NM_198428.3 (MANE Select); coding-DNA position 894, A replaced by C.
Protein change: p.Glu298Asp; replaces glutamic acid 298 with aspartic acid.
Molecular consequence: missense variant. On other transcripts: non-coding transcript variant (3).
Genome position (GRCh38, 1-based): chr7:33,273,834, A>C. VCF-style: chr7-33273834-A-C. GRCh37 (hg19) VCF-style: chr7-33313446-A-C.
Other names: c.894A>C (NM_198428.2); c.894A>C, p.Glu298Asp (NM_001033605.2, NM_001348036.1, NM_001348040.3 and 5 more transcripts); c.528A>C, p.Glu176Asp (NM_001348037.3, NM_001348044.3, NM_001348045.3 and 1 more transcripts); c.621A>C, p.Glu207Asp (NM_001348038.3, NM_001348039.3); c.759A>C, p.Glu253Asp (NM_001348042.3); short protein forms E176D, E207D, E253D, E298D.
Identifiers: ClinVar variation 1060247 (VCV001060247.6), dbSNP rs757469936, ClinGen allele CA4214144.